The following is an entry in ClinVar:

ClinVar aggregate classification (germline): Uncertain significance. Review status: criteria provided, multiple submitters, no conflicts (2 of 4 stars). 2 submissions from 2 submitters: Uncertain significance (2). Last evaluated 2024-09-12.

Conditions:
Fanconi anemia (FA). Also called: Fanconi's anemia. Identifiers: Orphanet 84, MedGen C0015625, MeSH D005199, MONDO:0019391.

gnomAD v4.1: 14 of 1,612,736 alleles (0.00087%); highest among the groups gnomAD compares: Admixed American, 0.0033%; no homozygotes.

Submissions (2):

Blueprint Genetics
Classification: Uncertain significance. Last evaluated: 2024-09-12. Review status: criteria provided, single submitter. Criteria: ACMG Guidelines, 2015. Collection method: clinical testing. Allele origin: germline.

Labcorp Genetics (formerly Invitae), Labcorp
Classification: Uncertain significance for Fanconi anemia. Last evaluated: 2024-01-08. Review status: criteria provided, single submitter. Criteria: Invitae Variant Classification Sherloc (09022015). Collection method: clinical testing. Allele origin: germline.
Comment: This sequence change replaces arginine, which is basic and polar, with histidine, which is basic and polar, at codon 1021 of the SLX4 protein (p.Arg1021His). This variant is present in population databases (rs200842643, gnomAD 0.003%). This variant has not been reported in the literature in individuals affected with SLX4-related conditions. ClinVar contains an entry for this variant (Variation ID: 2151684). An algorithm developed to predict the effect of missense changes on protein structure and function (PolyPhen-2) suggests that this variant¬†is likely to be tolerated. In summary, the available evidence is currently insufficient to determine the role of this variant in disease. Therefore, it has been classified as a Variant of Uncertain Significance.

NM_032444.4(SLX4):c.3062G>A (p.Arg1021His)

Gene: SLX4 (SLX4 structure-specific endonuclease subunit; minus strand). Cytogenetic location: 16p13.3.
Variant type: single nucleotide variant.
Coding change: c.3062G>A on transcript NM_032444.4 (MANE Select); coding-DNA position 3062, G replaced by A.
Protein change: p.Arg1021His; replaces arginine 1021 with histidine.
Molecular consequence: missense variant.
Genome position (GRCh38, 1-based): chr16:3,590,576, C>T on the plus strand (G>A on the coding strand, the complement: SLX4 is on the minus strand). VCF-style: chr16-3590576-C-T. GRCh37 (hg19) VCF-style: chr16-3640577-C-T.
Other names: short protein forms R1021H.
Identifiers: ClinVar variation 2151684 (VCV002151684.3), dbSNP rs200842643, ClinGen allele CA276959166.
Genomic context (GRCh38, chr16:3,590,576, plus strand): 5'-TGGGGAGGCCCCAATAGGAAGCGGCACGGGTGCGGTGGAGATGCCTGCCAGGGAGCCAGG[C>T]GATGAGAAACCTCCAGCCCCCTTTCCCTGACAGCGCCACTTTGTTCCTCGGGCTCACTTG-3'
Protein context (NP_115820.2, residues 1011-1031): VRERGLEVSH[Arg1021His]LAPWQASPPH